The following is an entry in ClinVar:

NM_152424.4(AMER1):c.790G>A (p.Ala264Thr)

Gene: AMER1 (APC membrane recruitment protein 1; minus strand). Cytogenetic location: Xq11.2.
Variant type: single nucleotide variant.
Coding change: c.790G>A on transcript NM_152424.4 (MANE Select); coding-DNA position 790, G replaced by A.
Protein change: p.Ala264Thr; replaces alanine 264 with threonine.
Molecular consequence: missense variant.
Genome position (GRCh38, 1-based): chrX:64,192,497, C>T on the plus strand (G>A on the coding strand, the complement: AMER1 is on the minus strand). VCF-style: chrX-64192497-C-T. GRCh37 (hg19) VCF-style: chrX-63412377-C-T.
Other names: short protein forms A264T.
Identifiers: ClinVar variation 133499 (VCV000133499.9), dbSNP rs150929706, ClinGen allele CA156700.

ClinVar aggregate classification (germline): Benign. Review status: criteria provided, single submitter (1 of 4 stars). 5 submissions from 5 submitters: Benign (1). 4 of the submissions do not count toward it. Last evaluated 2026-01-13.

Allele frequency attached by ClinVar (database versions not stated): gnomAD 0.00020 and 0.00021; 1000 Genomes Project 30x 0.00021; TOPMed 0.00021; ExAC 0.00022; gnomAD exomes 0.00022; 1000 Genomes Project 0.00026; ESP Exome Variant Server 0.00028.
gnomAD v4.1: 207 of 1,202,874 alleles (0.017%); highest among the groups gnomAD compares: Middle Eastern, 0.42%; 1 homozygote.

Submissions (5):

Labcorp Genetics (formerly Invitae), Labcorp
Classification: Benign. Last evaluated: 2026-01-13. Review status: criteria provided, single submitter. Criteria: Invitae Variant Classification Sherloc (09022015). Collection method: clinical testing. Allele origin: germline.

ITMI
No classification provided. Condition: AllHighlyPenetrant. Last evaluated: 2013-09-19. Review status: no classification provided. Collection method: reference population. Allele origin: germline. Not counted in ClinVar's aggregate classification.
Comment: Please see associated publication for description of ethnicities

Clinical Genetics DNA and cytogenetics Diagnostics Lab, Erasmus MC, Erasmus Medical Center
Classification: Likely benign. Review status: no assertion criteria provided. Collection method: clinical testing. Allele origin: germline. Affected: yes. Study: VKGL Data-share Consensus. Not counted in ClinVar's aggregate classification.

Genome Diagnostics Laboratory, University Medical Center Utrecht
Classification: Likely benign. Review status: no assertion criteria provided. Collection method: clinical testing. Allele origin: germline. Affected: yes. Study: VKGL Data-share Consensus. Not counted in ClinVar's aggregate classification.

Laboratory of Diagnostic Genome Analysis, Leiden University Medical Center (LUMC)
Classification: Likely benign. Review status: no assertion criteria provided. Collection method: clinical testing. Allele origin: germline. Affected: yes. Study: VKGL Data-share Consensus. Not counted in ClinVar's aggregate classification.

Literature cited by the submitters: PubMed 24728327 (cited by ITMI).